The following is an entry in ClinVar:

NM_000548.5(TSC2):c.1045T>C (p.Tyr349His)

Gene: TSC2 (TSC complex subunit 2; plus strand). Cytogenetic location: 16p13.3.
Variant type: single nucleotide variant.
Coding change: c.1045T>C on transcript NM_000548.5 (MANE Select); coding-DNA position 1045, T replaced by C.
Protein change: p.Tyr349His; replaces tyrosine 349 with histidine.
Molecular consequence: missense variant.
Genome position (GRCh38, 1-based): chr16:2,060,739, T>C. VCF-style: chr16-2060739-T-C. GRCh37 (hg19) VCF-style: chr16-2110740-T-C.
Other names: c.1045T>C (NM_000548.3); c.1045T>C, p.Tyr349His (NM_001077183.3, NM_001114382.3, NM_001363528.2 and 3 more transcripts); c.934T>C, p.Tyr312His (NM_001318827.2); c.898T>C, p.Tyr300His (NM_001318829.2); c.445T>C, p.Tyr149His (NM_001318831.2); c.1078T>C, p.Tyr360His (NM_001318832.2); short protein forms Y149H, Y312H, Y360H, Y349H, Y300H.
Identifiers: ClinVar variation 1046206 (VCV001046206.10), dbSNP rs2086529367, ClinGen allele CA394317766.
Genomic context (GRCh38, chr16:2,060,739, plus strand): 5'-TGTCCGAACGAGGTGGTGTCCTATGAGATCGTCCTGTCCATCACCAGGCTCATCAAGAAG[T>C]ATAGGAAGGAGCTCCAGGTGGTGGCGTGGGACATTCTGCTGAACATCATCGAACGGCTCC-3'
Protein context (NP_000539.2, residues 339-359): VLSITRLIKK[Tyr349His]RKELQVVAWD

ClinVar aggregate classification (germline): Uncertain significance. Review status: criteria provided, multiple submitters, no conflicts (2 of 4 stars). 3 submissions from 3 submitters: Uncertain significance (3). Last evaluated 2026-04-27.

Conditions:
Tuberous sclerosis 2 (TSC2). Identifiers: Orphanet 805, MedGen C1860707, MONDO:0013199, OMIM 613254.
Hereditary cancer-predisposing syndrome. Also called: Hereditary Cancer Syndrome; Tumor predisposition; Hereditary neoplastic syndrome; Neoplastic Syndromes, Hereditary. Identifiers: Orphanet 140162, MedGen C0027672, MeSH D009386, MONDO:0015356.

Submissions (3):

Ambry Genetics
Classification: Uncertain significance for Hereditary cancer-predisposing syndrome. Last evaluated: 2026-04-27. Review status: criteria provided, single submitter. Criteria: Ambry Variant Classification Scheme 2023. Collection method: clinical testing. Allele origin: germline.
Comment: The p.Y349H variant (also known as c.1045T>C), located in coding exon 10 of the TSC2 gene, results from a T to C substitution at nucleotide position 1045. The tyrosine at codon 349 is replaced by histidine, an amino acid with similar properties. This amino acid position is conserved. In addition, this alteration is predicted to be deleterious by in silico analysis. Based on the available evidence, the clinical significance of this variant remains unclear.

Blueprint Genetics
Classification: Uncertain significance. Last evaluated: 2022-01-31. Review status: criteria provided, single submitter. Criteria: ACMG Guidelines, 2015. Collection method: clinical testing. Allele origin: germline.

Labcorp Genetics (formerly Invitae), Labcorp
Classification: Uncertain significance for Tuberous sclerosis 2. Last evaluated: 2020-09-25. Review status: criteria provided, single submitter. Criteria: Invitae Variant Classification Sherloc (09022015). Collection method: clinical testing. Allele origin: germline.
Comment: In summary, the available evidence is currently insufficient to determine the role of this variant in disease. Therefore, it has been classified as a Variant of Uncertain Significance. Advanced modeling of protein sequence and biophysical properties (such as structural, functional, and spatial information, amino acid conservation, physicochemical variation, residue mobility, and thermodynamic stability) performed at Invitae indicates that this missense variant is not expected to disrupt TSC2 protein function. This variant has not been reported in the literature in individuals with TSC2-related conditions. This variant is not present in population databases (ExAC no frequency). This sequence change replaces tyrosine with histidine at codon 349 of the TSC2 protein (p.Tyr349His). The tyrosine residue is highly conserved and there is a moderate physicochemical difference between tyrosine and histidine.